The following is an entry in ClinVar:

NM_000722.4(CACNA2D1):c.991A>G (p.Thr331Ala)

Gene: CACNA2D1 (calcium voltage-gated channel auxiliary subunit alpha2delta 1; minus strand). Cytogenetic location: 7q21.11.
Variant type: single nucleotide variant.
Coding change: c.991A>G on transcript NM_000722.4 (MANE Select); coding-DNA position 991, A replaced by G.
Protein change: p.Thr331Ala; replaces threonine 331 with alanine.
Molecular consequence: missense variant.
Genome position (GRCh38, 1-based): chr7:82,038,124, T>C on the plus strand (A>G on the coding strand, the complement: CACNA2D1 is on the minus strand). VCF-style: chr7-82038124-T-C. GRCh37 (hg19) VCF-style: chr7-81667440-T-C.
Other names: c.991A>G, p.Thr331Ala (NM_001366867.1); short protein forms T331A.
Identifiers: ClinVar variation 4842675 (VCV004842675.1).
Genomic context (GRCh38, chr7:82,038,124, plus strand): 5'-GCATGATACTTACATTAAGCAGCTGTTCAAAAGCAAAACTAAAGCCCTTCTTATAATCTG[T>C]AATTCCTTTGGCTGTGATATTATTCACCGCGTCTTTCAACACTTTTTTATTTCTTACATT-3'
Protein context (NP_000713.2, residues 321-341): AVNNITAKGI[Thr331Ala]DYKKGFSFAF

ClinVar aggregate classification (germline): Uncertain significance (1 of 4 stars; one submission).

Conditions:
Cardiovascular phenotype. Identifiers: MedGen CN230736.

Submission:

Ambry Genetics
Classification: Uncertain significance for Cardiovascular phenotype. Last evaluated: 2026-01-02. Review status: criteria provided, single submitter. Criteria: Ambry Variant Classification Scheme 2023. Collection method: clinical testing. Allele origin: germline.
Comment: The p.T331A variant (also known as c.991A>G), located in coding exon 11 of the CACNA2D1 gene, results from an A to G substitution at nucleotide position 991. The threonine at codon 331 is replaced by alanine, an amino acid with similar properties. This amino acid position is conserved. In addition, the in silico prediction for this alteration is inconclusive. Based on the available evidence, the clinical significance of this variant remains unclear.